The following is an entry in ClinVar:

NM_016734.3(PAX5):c.529T>A (p.Ser177Thr)

Genes: PAX5 (paired box 5; minus strand), LOC105376032 (uncharacterized LOC105376032; plus strand). Cytogenetic location: 9p13.2.
Variant type: single nucleotide variant.
Coding change: c.529T>A on transcript NM_016734.3 (MANE Select); coding-DNA position 529, T replaced by A.
Protein change: p.Ser177Thr; replaces serine 177 with threonine.
Molecular consequence: missense variant. On other transcripts: non-coding transcript variant (4), intron variant (2).
Genome position (GRCh38, 1-based): chr9:37,002,723, A>T on the plus strand (T>A on the coding strand, the complement: PAX5 is on the minus strand). VCF-style: chr9-37002723-A-T. GRCh37 (hg19) VCF-style: chr9-37002720-A-T.
Other names: c.529T>A, p.Ser177Thr (NM_001280547.2, NM_001280548.2, NM_001280549.2 and 2 more transcripts); c.205T>A, p.Ser69Thr (NM_001280551.2, NM_001280556.2); c.331T>A, p.Ser111Thr (NM_001280555.2); c.475+3750T>A (NM_001280553.2, NM_001280554.2); short protein forms S111T, S177T, S69T.
Identifiers: ClinVar variation 3885923 (VCV003885923.1).

ClinVar aggregate classification (germline): Uncertain significance (1 of 4 stars; one submission).

Conditions:
Inborn genetic diseases. Identifiers: MedGen C0950123, MeSH D030342.

gnomAD v4.1: 17 of 1,610,554 alleles (0.0011%); highest among the groups gnomAD compares: Non-Finnish European, 0.0014%; no homozygotes.

Submission:

Ambry Genetics
Classification: Uncertain significance for Inborn genetic diseases. Last evaluated: 2025-01-13. Review status: criteria provided, single submitter. Criteria: Ambry Variant Classification Scheme 2023. Collection method: clinical testing. Allele origin: germline.
Comment: The p.S177T variant (also known as c.529T>A), located in coding exon 5 of the PAX5 gene, results from a T to A substitution at nucleotide position 529. The serine at codon 177 is replaced by threonine, an amino acid with similar properties. This amino acid position is conserved. In addition, the in silico prediction for this alteration is inconclusive. Based on the available evidence, the clinical significance of this variant remains unclear.